The following is an entry in ClinVar:

NM_006231.4(POLE):c.5372C>T (p.Thr1791Ile)

Gene: POLE (DNA polymerase epsilon, catalytic subunit; minus strand). Cytogenetic location: 12q24.33.
Variant type: single nucleotide variant.
Coding change: c.5372C>T on transcript NM_006231.4 (MANE Select); coding-DNA position 5372, C replaced by T.
Protein change: p.Thr1791Ile; replaces threonine 1791 with isoleucine.
Molecular consequence: missense variant.
Genome position (GRCh38, 1-based): chr12:132,641,653, G>A on the plus strand (C>T on the coding strand, the complement: POLE is on the minus strand). VCF-style: chr12-132641653-G-A. GRCh37 (hg19) VCF-style: chr12-133218239-G-A.
Other names: short protein forms T1791I.
Identifiers: ClinVar variation 1747111 (VCV001747111.7), dbSNP rs562111798, ClinGen allele CA6892556.
Genomic context (GRCh38, chr12:132,641,653, plus strand): 5'-GGCAAAGGATAAGACCCTTCTATTAGTAACACTCCTTCCCAGAGAGGGTGGCACCTGAAG[G>A]TGTTAGAGCACAGGGCTGTCTCATCGTAGCTGGCCGGGGCACTGGCAGCCTGACCACCCG-3'
Protein context (NP_006222.2, residues 1781-1801): SYDETALCSN[Thr1791Ile]FRILKSMVVG

ClinVar aggregate classification (germline): Uncertain significance. Review status: criteria provided, multiple submitters, no conflicts (2 of 4 stars). 2 submissions from 2 submitters: Uncertain significance (2). Last evaluated 2025-04-27.

Conditions:
Hereditary cancer-predisposing syndrome. Also called: Hereditary Cancer Syndrome; Neoplastic Syndromes, Hereditary; Tumor predisposition; Hereditary neoplastic syndrome. Identifiers: Orphanet 140162, MedGen C0027672, MeSH D009386, MONDO:0015356.

Allele frequency attached by ClinVar (database versions not stated): gnomAD exomes below 0.00001; TOPMed below 0.00001; ExAC 0.00001; gnomAD 0.00001; 1000 Genomes Project 30x 0.00016; 1000 Genomes Project 0.00020.
gnomAD v4.1: 3 of 1,613,618 alleles (0.00019%); highest among the groups gnomAD compares: African/African-American, 0.0013%; no homozygotes.

Submissions (2):

Labcorp Genetics (formerly Invitae), Labcorp
Classification: Uncertain significance. Last evaluated: 2025-04-27. Review status: criteria provided, single submitter. Criteria: Invitae Variant Classification Sherloc (09022015). Collection method: clinical testing. Allele origin: germline.
Comment: This sequence change replaces threonine, which is neutral and polar, with isoleucine, which is neutral and non-polar, at codon 1791 of the POLE protein (p.Thr1791Ile). This variant is present in population databases (rs562111798, gnomAD 0.007%). This variant has not been reported in the literature in individuals affected with POLE-related conditions. ClinVar contains an entry for this variant (Variation ID: 1747111). Invitae Evidence Modeling of protein sequence and biophysical properties (such as structural, functional, and spatial information, amino acid conservation, physicochemical variation, residue mobility, and thermodynamic stability) indicates that this missense variant is not expected to disrupt POLE protein function with a negative predictive value of 80%. In summary, the available evidence is currently insufficient to determine the role of this variant in disease. Therefore, it has been classified as a Variant of Uncertain Significance.

Ambry Genetics
Classification: Uncertain significance for Hereditary cancer-predisposing syndrome. Last evaluated: 2022-07-17. Review status: criteria provided, single submitter. Criteria: Ambry Variant Classification Scheme 2023. Collection method: clinical testing. Allele origin: germline.
Comment: The p.T1791I variant (also known as c.5372C>T), located in coding exon 39 of the POLE gene, results from a C to T substitution at nucleotide position 5372. The threonine at codon 1791 is replaced by isoleucine, an amino acid with similar properties. This amino acid position is conserved. In addition, the in silico prediction for this alteration is inconclusive. Since supporting evidence is limited at this time, the clinical significance of this alteration remains unclear.